The following is an entry in ClinVar:

ClinVar aggregate classification (germline): Uncertain significance (1 of 4 stars; one submission).

Conditions:
Combined oxidative phosphorylation defect type 14. Also called: Combined oxidative phosphorylation deficiency 14. Identifiers: Orphanet 319519, MedGen C4755312, MONDO:0013986, OMIM 614946.

Submission:

Labcorp Genetics (formerly Invitae), Labcorp
Classification: Uncertain significance for Combined oxidative phosphorylation defect type 14. Last evaluated: 2023-06-29. Review status: criteria provided, single submitter. Criteria: Invitae Variant Classification Sherloc (09022015). Collection method: clinical testing. Allele origin: germline.
Comment: In summary, the available evidence is currently insufficient to determine the role of this variant in disease. Therefore, it has been classified as a Variant of Uncertain Significance. Experimental studies and prediction algorithms are not available or were not evaluated, and the functional significance of this variant is currently unknown. This variant has not been reported in the literature in individuals affected with FARS2-related conditions. This variant results in a copy number gain of the genomic region encompassing exon(s) 1-2 of the FARS2 gene. This region includes the initiator codon of the gene. This copy number gain extends beyond the assayed region for this gene and therefore may encompass additional genes. As the precise location of this event is unknown, it may be in tandem or it may be located elsewhere in the genome.

NC_000006.11:g.(?_5109657)_(5369435_?)dup

Genes: FARS2 (phenylalanyl-tRNA synthetase 2, mitochondrial; plus strand), LYRM4 (LYR motif containing 4; minus strand). Cytogenetic location: 6p25.1.
Variant type: Duplication.
Identifiers: ClinVar variation 1445399 (VCV001445399.5).